The following is an entry in ClinVar:

ClinVar aggregate classification (germline): Pathogenic (1 of 4 stars; one submission).

Submission:

Labcorp Genetics (formerly Invitae), Labcorp
Classification: Pathogenic. Last evaluated: 2025-10-01. Review status: criteria provided, single submitter. Criteria: Invitae Variant Classification Sherloc (09022015). Collection method: clinical testing. Allele origin: germline.
Comment: This sequence change creates a premature translational stop signal (p.Arg7Glyfs*90) in the GIPC3 gene. It is expected to result in an absent or disrupted protein product. Loss-of-function variants in GIPC3 are known to be pathogenic (PMID: 21660509, 25296581). This variant is not present in population databases (gnomAD no frequency). This variant has not been reported in the literature in individuals affected with GIPC3-related conditions. For these reasons, this variant has been classified as Pathogenic.

Literature cited by the submitters: PubMed 21660509; PubMed 25296581.

NM_133261.3(GIPC3):c.19del (p.Arg7fs)

Gene: GIPC3 (GIPC PDZ domain containing family member 3; plus strand). Cytogenetic location: 19p13.3.
Variant type: Deletion.
Coding change: c.19del on transcript NM_133261.3 (MANE Select); coding-DNA position 19, one base deleted (C; older notation c.19delC).
Protein change: p.Arg7fs; shifts the reading frame from arginine 7.
Molecular consequence: frameshift variant.
Genome position (GRCh38, 1-based): chr19:3,585,616, C deleted; the last of 3 consecutive C bases (chr19:3,585,614-3,585,616); deleting any one gives the same sequence. VCF-style (leftmost placement, unchanged base first): chr19-3585613-GC-G. GRCh37 (hg19) VCF-style: chr19-3585611-GC-G.
Other names: c.19del, p.Arg7fs (NM_001411144.1); short protein forms R7fs.
Identifiers: ClinVar variation 4694492 (VCV004694492.1).